The following is an entry in ClinVar:

NM_033343.4(LHX4):c.1026G>A (p.Ala342=)

Genes: ACBD6 (acyl-CoA binding domain containing 6; minus strand), LHX4 (LIM homeobox 4; plus strand), LHX4-AS1 (LHX4 antisense RNA 1; minus strand). Cytogenetic location: 1q25.2.
Variant type: single nucleotide variant.
Coding change: c.1026G>A on transcript NM_033343.4 (MANE Select); coding-DNA position 1026, G replaced by A.
Protein change: p.Ala342=; no amino-acid change (alanine 342 retained).
Molecular consequence: synonymous variant.
Genome position (GRCh38, 1-based): chr1:180,274,432, G>A. VCF-style: chr1-180274432-G-A. GRCh37 (hg19) VCF-style: chr1-180243567-G-A.
Identifiers: ClinVar variation 3043316 (VCV003043316.2), dbSNP rs748004117, ClinGen allele CA1272071.

ClinVar aggregate classification (germline): Likely benign (0 of 4 stars; one submission).

Conditions:
LHX4-related disorder. Also called: LHX4-related condition.

Allele frequency attached by ClinVar (database versions not stated): gnomAD 0.00005; TOPMed 0.00006; gnomAD exomes 0.00009; 1000 Genomes Project 30x 0.00016; ExAC 0.00030.
gnomAD v4.1: 143 of 1,614,180 alleles (0.0089%); highest among the groups gnomAD compares: Middle Eastern, 0.016%; no homozygotes.

Submission:

PreventionGenetics, part of Exact Sciences
Classification: Likely benign for LHX4-related condition. Last evaluated: 2019-07-12. Review status: no assertion criteria provided. Collection method: clinical testing. Allele origin: germline.
Comment: This variant is classified as likely benign based on ACMG/AMP sequence variant interpretation guidelines (Richards et al. 2015 PMID: 25741868, with internal and published modifications).